The following is an entry in ClinVar:

ClinVar aggregate classification (germline): Pathogenic/Likely pathogenic. Review status: criteria provided, multiple submitters, no conflicts (2 of 4 stars). 10 submissions from 10 submitters: Pathogenic (8); Likely pathogenic (1). 1 of the submissions does not count toward it. Last evaluated 2025-11-21.

Conditions:
Cortical dysplasia, complex, with other brain malformations 13. Also called: Intellectual disability, autosomal dominant 13. Identifiers: MedGen C3281202, MONDO:0013805, OMIM 614563.
Intellectual disability. Also called: intellectual disabilities; Intellectual developmental disorder; Intellectual functioning disability. Identifiers: MedGen C3714756, MeSH D008607, MONDO:0001071, HP:0001249.
Charcot-Marie-Tooth disease axonal type 2O. Also called: CHARCOT-MARIE-TOOTH NEUROPATHY, AXONAL, TYPE 2O; CHARCOT-MARIE-TOOTH DISEASE, AXONAL, AUTOSOMAL DOMINANT, TYPE 2O; Charcot-Marie-Tooth Neuropathy Type 2O; Charcot-Marie-Tooth disease, axonal, type 20. Identifiers: Orphanet 284232, MedGen C3280220, MONDO:0013644, OMIM 614228.
Inborn genetic diseases. Identifiers: MedGen C0950123, MeSH D030342.

Submissions (10):

GeneDx
Classification: Pathogenic. Last evaluated: 2025-11-21. Review status: criteria provided, single submitter. Criteria: GeneDx Variant Classification Process June 2021. Collection method: clinical testing. Allele origin: germline. Affected: yes.
Comment: Published functional studies suggest a damaging effect by reducing the run length of the dyneindynactinBICD2N complexes (PMID: 28196890); Not observed at significant frequency in large population cohorts (gnomAD); In silico analysis supports that this missense variant has a deleterious effect on protein structure/function; This variant is associated with the following publications: (PMID: 25356970, 23603762, 25512093, 31164858, 33710394, 35982159, 36175372, 33057194, 38953796, 25609763, 26100331, 25131622, 33223419, 28196890)

Institute of Human Genetics, University of Leipzig Medical Center
Classification: Pathogenic for Cortical dysplasia, complex, with other brain malformations 13. Last evaluated: 2025-03-25. Review status: criteria provided, single submitter. Criteria: ACMG Guidelines, 2015. Collection method: clinical testing. Allele origin: unknown. Inheritance: Autosomal dominant inheritance. Affected: yes.
Comment: Criteria applied: PS2,PS4,PS3_MOD,PM2,PM1_SUP,PM5_SUP,PP2

Labcorp Genetics (formerly Invitae), Labcorp
Classification: Pathogenic for Charcot-Marie-Tooth disease axonal type 2O. Last evaluated: 2023-06-11. Review status: criteria provided, single submitter. Criteria: Invitae Variant Classification Sherloc (09022015). Collection method: clinical testing. Allele origin: germline.
Comment: For these reasons, this variant has been classified as Pathogenic. Experimental studies have shown that this missense change affects DYNC1H1 function (PMID: 28196890). Advanced modeling of protein sequence and biophysical properties (such as structural, functional, and spatial information, amino acid conservation, physicochemical variation, residue mobility, and thermodynamic stability) performed at Invitae indicates that this missense variant is expected to disrupt DYNC1H1 protein function. ClinVar contains an entry for this variant (Variation ID: 208709). This missense change has been observed in individual(s) with DYNC1H1-related conditions (PMID: 23603762, 31164858). In at least one individual the variant was observed to be de novo. This variant is not present in population databases (gnomAD no frequency). This sequence change replaces arginine, which is basic and polar, with glutamine, which is neutral and polar, at codon 1567 of the DYNC1H1 protein (p.Arg1567Gln).

Ambry Genetics
Classification: Pathogenic for Inborn genetic diseases. Last evaluated: 2022-08-25. Review status: criteria provided, single submitter. Criteria: Ambry Variant Classification Scheme 2023. Collection method: clinical testing. Allele origin: germline.
Comment: The c.4700G>A (p.R1567Q) alteration is located in exon 22 (coding exon 22) of the DYNC1H1 gene. This alteration results from a G to A substitution at nucleotide position 4700, causing the arginine (R) at amino acid position 1567 to be replaced by a glutamine (Q). This variant was not reported in population-based cohorts in the Genome Aggregation Database (gnomAD). This alteration has been reported as de novo in multiple individuals with intellectual disability/developmental delay, brain MRI abnormalities, and additional variable features consistent with DYNC1H1-related neurologic disorders (Poirier, 2013; Srivastava, 2014; Demos, 2019; J&auml;rvel&auml;, 2021; Ambry internal data). This amino acid position is highly conserved in available vertebrate species. This missense alteration is located in a region that has a low rate of benign missense variation (Lek, 2016; Firth, 2009). In vitro assays examining the effect of DYNC1H1 mutations on dynein microtubule motor motility demonstrated that, compared to the wild-type, the p.R1567Q alteration reduced the distance traveled by dynein&ndash;dynactin&ndash;BICD2N complexes before pausing or detaching from the microtubule (Hoang, 2017). Another functional study demonstrated that the p.R1567Q alteration reduced cytoplasmic localization of DYNC1H1 and inhibited binding interaction with dynactin 1 compared to the wild-type (Pijuan, 2021). The in silico prediction for this alteration is inconclusive. Based on the available evidence, this alteration is classified as pathogenic.

Revvity Omics, Revvity
Classification: Pathogenic. Last evaluated: 2021-12-28. Review status: criteria provided, single submitter. Criteria: ACMG Guidelines, 2015. Collection method: clinical testing. Allele origin: germline.

Center for Statistical Genetics, Columbia University
Classification: Pathogenic for Intellectual disability. Last evaluated: 2020-10-16. Review status: criteria provided, single submitter. Criteria: ACMG Guidelines, 2015. Collection method: research. Allele origin: de novo. Affected: yes.

Cambridge Genomics Laboratory, East Genomic Laboratory Hub, NHS Genomic Medicine Service
Classification: Likely pathogenic for Intellectual disability. Last evaluated: 2019-09-11. Review status: criteria provided, single submitter. Criteria: ACGS Best Practice Guidelines for Variant Classification in Rare Disease 2020. Collection method: clinical testing. Allele origin: germline. Affected: yes. Observed: 1 variant allele.

Genetic Services Laboratory, University of Chicago
Classification: Pathogenic. Last evaluated: 2017-07-28. Review status: criteria provided, single submitter. Criteria: ACMG Guidelines, 2015. Collection method: clinical testing. Allele origin: germline. Affected: yes.

Juno Genomics, Hangzhou Juno Genomics, Inc
Classification: Pathogenic for Cortical dysplasia, complex, with other brain malformations 13. Review status: criteria provided, single submitter. Criteria: ACMG Guidelines, 2015. Collection method: clinical testing. Allele origin: germline. Affected: yes.
Comment: Absent from controls (or at extremely low frequency if recessive) in Genome Aggregation Database, Exome Sequencing Project, 1000 Genomes Project, or Exome Aggregation Consortium.;Missense variant in a gene that has a low rate of benign missense variation and where missense variants are a common mechanism of disease.;Well-established in vitro or in vivo functional studies supportive of a damaging effect on the gene or gene product.;De novo (both maternity and paternity confirmed) in a patient with the disease and no family history.;The prevalence of the variant in affected individuals is significantly increased compared to the prevalence in controls.;Patient's phenotype or family history is highly specific for a disease with a single genetic etiology.

Inherited Neuropathy Consortium Ii, University Of Miami
Classification: Uncertain significance for Charcot-Marie-Tooth disease axonal type 2O. Last evaluated: 2016-01-06. Review status: no assertion criteria provided. Collection method: literature only. Allele origin: germline. Affected: yes. Not counted in ClinVar's aggregate classification.

Literature cited by the submitters: PubMed 28196890 (cited by Labcorp Genetics (formerly Invitae), Labcorp and Ambry Genetics); PubMed 23603762 (cited by 3 submitters); PubMed 31164858 (cited by Labcorp Genetics (formerly Invitae), Labcorp and Ambry Genetics); PubMed 25131622 (cited by Ambry Genetics); PubMed 33223419 (cited by Ambry Genetics); PubMed 33710394 (cited by Ambry Genetics).

NM_001376.5(DYNC1H1):c.4700G>A (p.Arg1567Gln)

Gene: DYNC1H1 (dynein cytoplasmic 1 heavy chain 1; plus strand). Cytogenetic location: 14q32.31.
Variant type: single nucleotide variant.
Coding change: c.4700G>A on transcript NM_001376.5 (MANE Select); coding-DNA position 4700, G replaced by A.
Protein change: p.Arg1567Gln; replaces arginine 1567 with glutamine.
Molecular consequence: missense variant.
Genome position (GRCh38, 1-based): chr14:102,002,694, G>A. VCF-style: chr14-102002694-G-A. GRCh37 (hg19) VCF-style: chr14-102469031-G-A.
Other names: short protein forms R1567Q.
Identifiers: ClinVar variation 208709 (VCV000208709.28), dbSNP rs797044901, ClinGen allele CA204734.